The following is an entry in ClinVar:

NM_001458.5(FLNC):c.1729T>G (p.Trp577Gly)

Gene: FLNC (filamin C; plus strand). Cytogenetic location: 7q32.1.
Variant type: single nucleotide variant.
Coding change: c.1729T>G on transcript NM_001458.5 (MANE Select); coding-DNA position 1729, T replaced by G.
Protein change: p.Trp577Gly; replaces tryptophan 577 with glycine.
Molecular consequence: missense variant.
Genome position (GRCh38, 1-based): chr7:128,840,886, T>G. VCF-style: chr7-128840886-T-G. GRCh37 (hg19) VCF-style: chr7-128480940-T-G.
Other names: c.1729T>G, p.Trp577Gly (NM_001127487.2); short protein forms W577G.
Identifiers: ClinVar variation 1471586 (VCV001471586.11), dbSNP rs757878206, ClinGen allele CA4474462.

ClinVar aggregate classification (germline): Uncertain significance. Review status: criteria provided, multiple submitters, no conflicts (2 of 4 stars). 3 submissions from 3 submitters: Uncertain significance (3). Last evaluated 2025-06-23.

Conditions:
Cardiovascular phenotype. Identifiers: MedGen CN230736.
Hypertrophic cardiomyopathy 26. Also called: Cardiomyopathy, familial hypertrophic, 26. Identifiers: Orphanet 75249, MedGen C4310749, MONDO:0014883, OMIM 617047.
Myofibrillar myopathy 5. Also called: FILAMINOPATHY, AUTOSOMAL DOMINANT; Filaminopathy (type). Identifiers: Orphanet 171445, MedGen C1836050, MONDO:0012289, OMIM 609524.
Distal myopathy with posterior leg and anterior hand involvement. Also called: WILLIAMS DISTAL MYOPATHY. Identifiers: Orphanet 63273, MedGen C3279722, MONDO:0013550, OMIM 614065.

Allele frequency attached by ClinVar (database versions not stated): gnomAD exomes below 0.00001; ExAC 0.00001; gnomAD 0.00001; TOPMed 0.00001.
gnomAD v4.1: 6 of 1,613,580 alleles (0.00037%); highest among the groups gnomAD compares: Non-Finnish European, 0.00051%; no homozygotes.

Submissions (3):

Labcorp Genetics (formerly Invitae), Labcorp
Classification: Uncertain significance for Distal myopathy with posterior leg and anterior hand involvement; Myofibrillar myopathy 5; Hypertrophic cardiomyopathy 26. Last evaluated: 2025-06-23. Review status: criteria provided, single submitter. Criteria: Invitae Variant Classification Sherloc (09022015). Collection method: clinical testing. Allele origin: germline.
Comment: This sequence change replaces tryptophan, which is neutral and slightly polar, with glycine, which is neutral and non-polar, at codon 577 of the FLNC protein (p.Trp577Gly). This variant is present in population databases (rs757878206, gnomAD 0.0009%). This variant has not been reported in the literature in individuals affected with FLNC-related conditions. ClinVar contains an entry for this variant (Variation ID: 1471586). Invitae Evidence Modeling of protein sequence and biophysical properties (such as structural, functional, and spatial information, amino acid conservation, physicochemical variation, residue mobility, and thermodynamic stability) has been performed for this missense variant. However, the output from this modeling did not meet the statistical confidence thresholds required to predict the impact of this variant on FLNC protein function. In summary, the available evidence is currently insufficient to determine the role of this variant in disease. Therefore, it has been classified as a Variant of Uncertain Significance.

GeneDx
Classification: Uncertain significance. Last evaluated: 2024-01-04. Review status: criteria provided, single submitter. Criteria: GeneDx Variant Classification Process June 2021. Collection method: clinical testing. Allele origin: germline. Affected: yes.
Comment: Has not been previously published as pathogenic or benign to our knowledge; Not observed at significant frequency in large population cohorts (gnomAD); In silico analysis supports that this missense variant has a deleterious effect on protein structure/function

Ambry Genetics
Classification: Uncertain significance for Cardiovascular phenotype. Last evaluated: 2023-11-14. Review status: criteria provided, single submitter. Criteria: Ambry Variant Classification Scheme 2023. Collection method: clinical testing. Allele origin: germline.
Comment: The p.W577G variant (also known as c.1729T>G), located in coding exon 11 of the FLNC gene, results from a T to G substitution at nucleotide position 1729. The tryptophan at codon 577 is replaced by glycine, an amino acid with highly dissimilar properties. This amino acid position is conserved. In addition, this alteration is predicted to be deleterious by in silico analysis. Since supporting evidence is limited at this time, the clinical significance of this alteration remains unclear.